The following is an entry in ClinVar:

NM_006618.5(KDM5B):c.512T>A (p.Ile171Asn)

Gene: KDM5B (lysine demethylase 5B; minus strand). Cytogenetic location: 1q32.1.
Variant type: single nucleotide variant.
Coding change: c.512T>A on transcript NM_006618.5 (MANE Select); coding-DNA position 512, T replaced by A.
Protein change: p.Ile171Asn; replaces isoleucine 171 with asparagine.
Molecular consequence: missense variant.
Genome position (GRCh38, 1-based): chr1:202,773,182, A>T on the plus strand (T>A on the coding strand, the complement: KDM5B is on the minus strand). VCF-style: chr1-202773182-A-T. GRCh37 (hg19) VCF-style: chr1-202742310-A-T.
Other names: c.512T>A, p.Ile171Asn (NM_001314042.2, NM_001347591.2); c.497T>A, p.Ile166Asn (NM_001399817.1); short protein forms I166N, I171N.
Identifiers: ClinVar variation 3602168 (VCV003602168.1).

ClinVar aggregate classification (germline): Uncertain significance (1 of 4 stars; one submission).

Submission:

GeneDx
Classification: Uncertain significance. Last evaluated: 2024-08-02. Review status: criteria provided, single submitter. Criteria: GeneDx Variant Classification Process June 2021. Collection method: clinical testing. Allele origin: germline. Affected: yes.
Comment: Not observed at significant frequency in large population cohorts (gnomAD); In silico analysis supports that this missense variant has a deleterious effect on protein structure/function; Has not been previously published as pathogenic or benign to our knowledge